The following is an entry in ClinVar:

NM_001113378.2(FANCI):c.553C>T (p.Pro185Ser)

Gene: FANCI (FA complementation group I; plus strand). Cytogenetic location: 15q26.1.
Variant type: single nucleotide variant.
Coding change: c.553C>T on transcript NM_001113378.2 (MANE Select); coding-DNA position 553, C replaced by T.
Protein change: p.Pro185Ser; replaces proline 185 with serine.
Molecular consequence: missense variant.
Genome position (GRCh38, 1-based): chr15:89,263,910, C>T. VCF-style: chr15-89263910-C-T. GRCh37 (hg19) VCF-style: chr15-89807141-C-T.
Other names: c.274C>T, p.Pro92Ser (NM_001376910.1); c.553C>T, p.Pro185Ser (NM_001376911.1, NM_018193.3); short protein forms P185S, P92S.
Identifiers: ClinVar variation 2076105 (VCV002076105.1), dbSNP rs2505968152, ClinGen allele CA393738887.
Genomic context (GRCh38, chr15:89,263,910, plus strand): 5'-GAAAACAAGGCAGTTAGACACTGTCTATAGCCTTTAGAATCTTTGATCCACAGGGATGTC[C>T]CTCTGACTGCAGAAGAGGTGGAATTTGTGGTGGAAAAAGCATTGAGCATGTTCTCCAAGA-3'
Protein context (NP_001106849.1, residues 175-195): IQLTSMFKDV[Pro185Ser]LTAEEVEFVV

ClinVar aggregate classification (germline): Uncertain significance (1 of 4 stars; one submission).

Conditions:
Fanconi anemia (FA). Also called: Fanconi's anemia. Identifiers: Orphanet 84, MedGen C0015625, MeSH D005199, MONDO:0019391.

Submission:

Labcorp Genetics (formerly Invitae), Labcorp
Classification: Uncertain significance for Fanconi anemia. Last evaluated: 2022-01-06. Review status: criteria provided, single submitter. Criteria: Invitae Variant Classification Sherloc (09022015). Collection method: clinical testing. Allele origin: germline.
Comment: This sequence change replaces proline, which is neutral and non-polar, with serine, which is neutral and polar, at codon 185 of the FANCI protein (p.Pro185Ser). This variant is not present in population databases (gnomAD no frequency). This variant has not been reported in the literature in individuals affected with FANCI-related conditions. Algorithms developed to predict the effect of missense changes on protein structure and function (SIFT, PolyPhen-2, Align-GVGD) all suggest that this variant is likely to be tolerated. In summary, the available evidence is currently insufficient to determine the role of this variant in disease. Therefore, it has been classified as a Variant of Uncertain Significance.